The following is an entry in ClinVar:

NM_018896.5(CACNA1G):c.2860G>A (p.Val954Met)

Gene: CACNA1G (calcium voltage-gated channel subunit alpha1 G; plus strand). Cytogenetic location: 17q21.33.
Variant type: single nucleotide variant.
Coding change: c.2860G>A on transcript NM_018896.5 (MANE Select); coding-DNA position 2860, G replaced by A.
Protein change: p.Val954Met; replaces valine 954 with methionine.
Molecular consequence: missense variant. On other transcripts: non-coding transcript variant (5).
Genome position (GRCh38, 1-based): chr17:50,592,042, G>A. VCF-style: chr17-50592042-G-A. GRCh37 (hg19) VCF-style: chr17-48669403-G-A.
Other names: c.2860G>A, p.Val954Met (NM_198379.3, NM_198380.3, NM_198382.3 and 24 more transcripts); c.2860G>A (NM_018896.3); short protein forms V954M.
Identifiers: ClinVar variation 546328 (VCV000546328.5), dbSNP rs375782901, ClinGen allele CA8652539.
Genomic context (GRCh38, chr17:50,592,042, plus strand): 5'-GCCTCCACGTCGTCCTGGGCGGCCCTTTATTTCATTGCCCTCATGACCTTCGGCAACTAC[G>A]TGCTCTTCAATTTGCTGGTCGCCATTCTGGTGGAGGGCTTCCAGGCGGAGGTAACCCACT-3'
Protein context (NP_061496.2, residues 944-964): FIALMTFGNY[Val954Met]LFNLLVAILV

ClinVar aggregate classification (germline): Uncertain significance. Review status: criteria provided, multiple submitters, no conflicts (2 of 4 stars). 2 submissions from 2 submitters: Uncertain significance (2). Last evaluated 2025-08-13.

Conditions:
Inborn genetic diseases. Identifiers: MedGen C0950123, MeSH D030342.

Allele frequency attached by ClinVar (database versions not stated): gnomAD exomes below 0.00001; ExAC 0.00001; gnomAD 0.00001; TOPMed 0.00002; ESP Exome Variant Server 0.00008.
gnomAD v4.1: 8 of 1,613,808 alleles (0.0005%); highest among the groups gnomAD compares: East Asian, 0.0022%; no homozygotes.

Submissions (2):

Ambry Genetics
Classification: Uncertain significance for Inborn genetic diseases. Last evaluated: 2025-08-13. Review status: criteria provided, single submitter. Criteria: Ambry Variant Classification Scheme 2023. Collection method: clinical testing. Allele origin: germline.

GeneDx
Classification: Uncertain significance. Last evaluated: 2018-05-23. Review status: criteria provided, single submitter. Criteria: GeneDx Variant Classification (06012015). Collection method: clinical testing. Allele origin: germline. Affected: yes.
Comment: A variant of uncertain significance has been identified in the CACNA1G gene. The V954M variant has not been published as a pathogenic variant, nor has it been reported as a benign variant to our knowledge. The V954M variant is observed in 1/15292 (0.01%) alleles from individuals of African background (Lek et al., 2016). The V954M variant is a conservative amino acid substitution, which is not likely to impact secondary protein structure as these residues share similar properties. However, in-silico analyses, including protein predictors and evolutionary conservation, support a deleterious effect. Therefore, based on the currently available information, it is unclear whether this variant is a pathogenic variant or a rare benign variant.